The following is an entry in ClinVar:

NM_001384474.1(LOXHD1):c.4909A>T (p.Lys1637Ter)

Gene: LOXHD1 (lipoxygenase homology PLAT domains 1; minus strand). Cytogenetic location: 18q21.1.
Variant type: single nucleotide variant.
Coding change: c.4909A>T on transcript NM_001384474.1 (MANE Select); coding-DNA position 4909, A replaced by T.
Protein change: p.Lys1637Ter; replaces lysine 1637 with a stop codon.
Molecular consequence: nonsense.
Genome position (GRCh38, 1-based): chr18:46,522,277, T>A on the plus strand (A>T on the coding strand, the complement: LOXHD1 is on the minus strand). VCF-style: chr18-46522277-T-A. GRCh37 (hg19) VCF-style: chr18-44102240-T-A.
Other names: c.1576A>T, p.Lys526Ter (NM_001145472.3); c.1288A>T, p.Lys430Ter (NM_001308013.2); c.4909A>T, p.Lys1637Ter (NM_144612.7); short protein forms K1637*, K430*, K526*.
Identifiers: ClinVar variation 3601206 (VCV003601206.1).

ClinVar aggregate classification (germline): Likely pathogenic (1 of 4 stars; one submission).

Conditions:
Autosomal recessive nonsyndromic hearing loss 77. Identifiers: Orphanet 90636, MedGen C2746083, MONDO:0013119, OMIM 613079.

Submission:

Institute of Rare Diseases, West China Hospital, Sichuan University
Classification: Likely pathogenic for Autosomal recessive nonsyndromic hearing loss 77. Last evaluated: 2025-01-09. Review status: criteria provided, single submitter. Criteria: ClinGen HL ACMG Specifications v1. Collection method: research. Allele origin: germline. Affected: yes.
Comment: PVS1;PM2_Supporting